The following is an entry in ClinVar:

NM_181507.2(HPS5):c.2838-139T>G

Gene: HPS5 (HPS5 biogenesis of lysosomal organelles complex 2 subunit 2; minus strand). Cytogenetic location: 11p15.1.
Variant type: single nucleotide variant.
Coding change: c.2838-139T>G on transcript NM_181507.2 (MANE Select); 139 bases into the intron before coding-DNA position 2838, T replaced by G.
Molecular consequence: intron variant.
Genome position (GRCh38, 1-based): chr11:18,285,598, A>C on the plus strand (T>G on the coding strand, the complement: HPS5 is on the minus strand). VCF-style: chr11-18285598-A-C. GRCh37 (hg19) VCF-style: chr11-18307145-A-C.
Other names: c.2424-139T>G (NM_001440929.1, NM_001440928.1, NM_001440927.1); c.2496-139T>G (NM_181508.2, NM_001440921.1, NM_001440926.1 and 6 more transcripts); c.2727-139T>G (NM_001440915.1, NM_001440914.1, NM_001440913.1); c.1983-139T>G (NM_001440931.1); c.2682-139T>G (NM_001440917.1); c.2838-139T>G (NM_001440906.1, NM_001440905.1, NM_001440903.1 and 2 more transcripts); c.2763-139T>G (NM_001440907.1, NM_001440909.1, NM_001440908.1); c.2376-139T>G (NM_001440930.1); and 3 more.
Identifiers: ClinVar variation 1707227 (VCV001707227.2), dbSNP rs150837170, ClinGen allele CA218577126.

ClinVar aggregate classification (germline): Likely benign (1 of 4 stars; one submission).

Allele frequency attached by ClinVar (database versions not stated): 1000 Genomes Project 0.00719; 1000 Genomes Project 30x 0.00750; TOPMed 0.01084; gnomAD 0.01262; gnomAD exomes 0.01613.

Submission:

GeneDx
Classification: Likely benign. Last evaluated: 2021-05-18. Review status: criteria provided, single submitter. Criteria: GeneDx Variant Classification Process June 2021. Collection method: clinical testing. Allele origin: germline. Affected: yes.
Comment: See Variant Classification Assertion Criteria.